The following is an entry in ClinVar:

ClinVar aggregate classification (germline): Uncertain significance (1 of 4 stars; one submission).

Allele frequency attached by ClinVar (database versions not stated): gnomAD exomes below 0.00001; TOPMed 0.00036.
gnomAD v4.1: 38 of 1,606,140 alleles (0.0024%); highest among the groups gnomAD compares: Non-Finnish European, 0.00034%; no homozygotes.

Submission:

Labcorp Genetics (formerly Invitae), Labcorp
Classification: Uncertain significance. Last evaluated: 2025-06-15. Review status: criteria provided, single submitter. Criteria: Invitae Variant Classification Sherloc (09022015). Collection method: clinical testing. Allele origin: germline.
Comment: This sequence change replaces proline, which is neutral and non-polar, with arginine, which is basic and polar, at codon 231 of the SUCO protein (p.Pro231Arg). This variant is not present in population databases (gnomAD no frequency). This variant has not been reported in the literature in individuals affected with SUCO-related conditions. ClinVar contains an entry for this variant (Variation ID: 2695622). An algorithm developed to predict the effect of missense changes on protein structure and function (PolyPhen-2) suggests that this variant is likely to be tolerated. In summary, the available evidence is currently insufficient to determine the role of this variant in disease. Therefore, it has been classified as a Variant of Uncertain Significance.

NM_014283.5(SUCO):c.692C>G (p.Pro231Arg)

Gene: SUCO (SUN domain containing ossification factor; plus strand). Cytogenetic location: 1q24.3.
Variant type: single nucleotide variant.
Coding change: c.692C>G on transcript NM_014283.5 (MANE Select); coding-DNA position 692, C replaced by G.
Protein change: p.Pro231Arg; replaces proline 231 with arginine.
Molecular consequence: missense variant. On other transcripts: 5 prime UTR variant (1).
Genome position (GRCh38, 1-based): chr1:172,557,754, C>G. VCF-style: chr1-172557754-C-G. GRCh37 (hg19) VCF-style: chr1-172526894-C-G.
Other names: c.581C>G, p.Pro194Arg (NM_001282750.2); c.-838C>G (NM_001282751.2); c.1166C>G, p.Pro389Arg (NM_016227.4); short protein forms P231R, P389R, P194R.
Identifiers: ClinVar variation 2695622 (VCV002695622.3), dbSNP rs894578995, ClinGen allele CA32709273.